The following is an entry in ClinVar:

NM_201384.3(PLEC):c.5828AGCTGG[4] (p.1943EL[4])

Gene: PLEC (plectin; minus strand). Cytogenetic location: 8q24.3.
Variant type: Microsatellite.
Coding change: c.5828AGCTGG[4] on transcript NM_201384.3 (MANE Select); four copies in a row of the 6-base unit AGCTGG starting at c.5828; the reference has three copies in a row; one copy, 6 bases duplicated.
Protein change: p.1943EL[4].
Molecular consequence: inframe insertion.
Genome position (GRCh38, 1-based): chr8:143,924,084-143,924,089, CCAGCT duplicated on the plus strand (AGCTGG on the coding strand, the reverse complement: PLEC is on the minus strand); duplicating any 6 consecutive bases within chr8:143,924,084-143,924,103 gives the same sequence; the position shown is the placement nearest the transcript's 3' end. VCF-style (leftmost placement, unchanged base first): chr8-143924083-C-CCCAGCT. GRCh37 (hg19) VCF-style: chr8-144998251-C-CCCAGCT.
Other names: c.5921_5926dup (NM_000445.3, NM_000445.5); c.5909AGCTGG[4], p.1970EL[4] (NM_000445.5); c.5786AGCTGG[4], p.1929EL[4] (NM_201378.4); c.5762AGCTGG[4], p.1921EL[4] (NM_201379.3); c.6239AGCTGG[4], p.2080EL[4] (NM_201380.4); c.5732AGCTGG[4], p.1911EL[4] (NM_201381.3); c.5828AGCTGG[4], p.1943EL[4] (NM_201382.4); c.5840AGCTGG[4], p.1947EL[4] (NM_201383.3).
Identifiers: ClinVar variation 983097 (VCV000983097.9), dbSNP rs782811601, ClinGen allele CA586158297.

ClinVar aggregate classification (germline): Uncertain significance. Review status: criteria provided, multiple submitters, no conflicts (2 of 4 stars). 4 submissions from 4 submitters: Uncertain significance (4). Last evaluated 2025-03-19.

Conditions:
Epidermolysis bullosa simplex 5B, with muscular dystrophy (EBS5B). Also called: EPIDERMOLYSIS BULLOSA SIMPLEX AND LIMB-GIRDLE MUSCULAR DYSTROPHY; Epidermolysis bullosa simplex with muscular dystrophy. Identifiers: Orphanet 257, MedGen C2931072, MONDO:0009181, OMIM 226670.
Epidermolysis bullosa simplex, Ogna type (EBS5A). Also called: EPIDERMOLYSIS BULLOSA SIMPLEX 5A, OGNA TYPE; Pidermolysis bullosa simplex 5A, Ogna type. Identifiers: Orphanet 79401, MedGen C0432317, MONDO:0007555, OMIM 131950.
Epidermolysis bullosa simplex 5C, with pyloric atresia (EBS5C). Also called: PLEC-Related Epidermolysis Bullosa with Pyloric Atresia; Epidermolysis bullosa simplex with pyloric atresia; PLEC1-Related Epidermolysis Bullosa with Pyloric Atresia. Identifiers: Orphanet 158684, MedGen C2677349, MONDO:0012807, OMIM 612138.
Autosomal recessive limb-girdle muscular dystrophy type 2Q (LGMDR17). Also called: MUSCULAR DYSTROPHY, LIMB-GIRDLE, AUTOSOMAL RECESSIVE 17. Identifiers: Orphanet 254361, MedGen C3150989, MONDO:0013390, OMIM 613723.
Epidermolysis bullosa simplex with nail dystrophy (EBS5D). Identifiers: MedGen C4225309, MONDO:0014661, OMIM 616487.

Submissions (4):

GeneDx
Classification: Uncertain significance. Last evaluated: 2025-03-19. Review status: criteria provided, single submitter. Criteria: GeneDx Variant Classification Process June 2021. Collection method: clinical testing. Allele origin: germline. Affected: yes.
Comment: Not observed at significant frequency in large population cohorts (gnomAD); In-frame duplication of 2 amino acid(s) in a non-repeat region; Has not been previously published as pathogenic or benign to our knowledge

Labcorp Genetics (formerly Invitae), Labcorp
Classification: Uncertain significance for Autosomal recessive limb-girdle muscular dystrophy type 2Q; Epidermolysis bullosa simplex, Ogna type; Epidermolysis bullosa simplex with nail dystrophy; Epidermolysis bullosa simplex 5C, with pyloric atresia; Epidermolysis bullosa simplex 5B, with muscular dystrophy. Last evaluated: 2025-02-15. Review status: criteria provided, single submitter. Criteria: Invitae Variant Classification Sherloc (09022015). Collection method: clinical testing. Allele origin: germline.
Comment: This variant, c.5921_5926dup, results in the insertion of 2 amino acid(s) of the PLEC protein (p.Glu1974_Leu1975dup), but otherwise preserves the integrity of the reading frame. This variant is present in population databases (no rsID available, gnomAD 0.002%). This variant has not been reported in the literature in individuals affected with PLEC-related conditions. Experimental studies and prediction algorithms are not available or were not evaluated, and the functional significance of this variant is currently unknown. In summary, the available evidence is currently insufficient to determine the role of this variant in disease. Therefore, it has been classified as a Variant of Uncertain Significance.

Revvity Omics, Revvity
Classification: Uncertain significance. Last evaluated: 2023-05-26. Review status: criteria provided, single submitter. Criteria: ACMG Guidelines, 2015. Collection method: clinical testing. Allele origin: germline.

Institute of Human Genetics, University of Leipzig Medical Center
Classification: Uncertain significance for Epidermolysis bullosa simplex 5B, with muscular dystrophy. Last evaluated: 2019-01-01. Review status: criteria provided, single submitter. Criteria: ACMG Guidelines, 2015. Collection method: clinical testing. Allele origin: unknown. Affected: yes.